The following is an entry in ClinVar:

ClinVar aggregate classification (germline): Benign. Review status: criteria provided, multiple submitters, no conflicts (2 of 4 stars). 2 submissions from 2 submitters: Benign (2). Last evaluated 2020-06-07.

Conditions:
Autosomal recessive distal renal tubular acidosis. Identifiers: Orphanet 402041, MedGen C1864498, MONDO:0018440.

Allele frequency attached by ClinVar (database versions not stated): gnomAD 0.03190; TOPMed 0.03746; 1000 Genomes Project 0.04093; 1000 Genomes Project 30x 0.04325.
gnomAD v4.1: 9,034 of 1,296,138 alleles (0.7%); highest among the groups gnomAD compares: African/African-American, 11%; 508 homozygotes.

Submissions (2):

GeneDx
Classification: Benign. Last evaluated: 2020-06-07. Review status: criteria provided, single submitter. Criteria: GeneDx Variant Classification Process June 2021. Collection method: clinical testing. Allele origin: germline. Affected: yes.

Illumina Laboratory Services, Illumina
Classification: Benign for Renal tubular acidosis, distal, 3, with or without sensorineural hearing loss. Last evaluated: 2018-01-13. Review status: criteria provided, single submitter. Criteria: ICSL Variant Classification Criteria 13 December 2019. Collection method: clinical testing. Allele origin: germline.
Comment: This variant was observed in the ICSL laboratory as part of a predisposition screen in an ostensibly healthy population. It had not been previously curated by ICSL or reported in the Human Gene Mutation Database (HGMD: prior to June 1st, 2018), and was therefore a candidate for classification through an automated scoring system. Utilizing variant allele frequency, disease prevalence and penetrance estimates, and inheritance mode, an automated score was calculated to assess if this variant is too frequent to cause the disease. Based on the score and internal cut-off values, a variant classified as benign is not then subjected to further curation. The score for this variant resulted in a classification of benign for this disease.

NM_020632.3(ATP6V0A4):c.*111C>A

Gene: ATP6V0A4 (ATPase H+ transporting V0 subunit a4; minus strand). Cytogenetic location: 7q34.
Variant type: single nucleotide variant.
Coding change: c.*111C>A on transcript NM_020632.3 (MANE Select); 111 bases downstream of the stop codon, C replaced by A.
Molecular consequence: 3 prime UTR variant.
Genome position (GRCh38, 1-based): chr7:138,706,513, G>T on the plus strand (C>A on the coding strand, the complement: ATP6V0A4 is on the minus strand). VCF-style: chr7-138706513-G-T. GRCh37 (hg19) VCF-style: chr7-138391258-G-T.
Other names: c.*111C>A (NM_130840.3, NM_130841.3).
Identifiers: ClinVar variation 359001 (VCV000359001.6), dbSNP rs75920897, ClinGen allele CA10623310.